The following is an entry in ClinVar:

ClinVar aggregate classification (germline): Uncertain significance. Review status: reviewed by expert panel (3 of 4 stars). 2 submissions from 2 submitters: Uncertain significance (1). 1 of the submissions does not count toward it. Last evaluated 2024-11-04.

Conditions:
Hereditary thrombocytopenia and hematologic cancer predisposition syndrome. Identifiers: Orphanet 71290, MedGen CN281654, MONDO:0011071.
Hereditary thrombocytopenia and hematological cancer predisposition syndrome associated with RUNX1. Also called: PLATELET DISORDER, ASPIRIN-LIKE; RUNX1 Familial Platelet Disorder with Associated Myeloid Malignancies; Familial Platelet Disorder with Propensity to Acute Myelogenous Leukemia; Familial thrombocytopenia with propensity to acute myelogenous leukemia. Identifiers: Orphanet 71290, MedGen C1832388, MeSH C563324, MONDO:0100083, OMIM 601399.

Submissions (2):

ClinGen Myeloid Malignancy Variant Curation Expert Panel
Classification: Uncertain significance for Hereditary thrombocytopenia and hematologic cancer predisposition syndrome. Last evaluated: 2024-11-04. Review status: reviewed by expert panel. Criteria: ClinGen MyeloMalig ACMG Specifications v2. Collection method: curation. Allele origin: germline. Inheritance: Autosomal dominant inheritance.
Comment: NM_001754.5(RUNX1):c.*3281G>T is a UTR variant which has not been featured in functional or case studies. Computational data has been used to evaluate this variant. It has a SpliceAI score of 0 and a PhyloP score of 0.68, however as a UTR variant neither BP4 and BP7 may be applied. In summary, this variant meets criteria to be classified as VUS. ACMG/AMP criteria applied, as specified by the Myeloid Malignancy Variant Curation Expert Panel for RUNX1: none

Illumina Laboratory Services, Illumina
Classification: Uncertain significance for Hereditary thrombocytopenia and hematological cancer predisposition syndrome associated with RUNX1. Last evaluated: 2018-01-13. Review status: criteria provided, single submitter. Criteria: ICSL Variant Classification Criteria 13 December 2019. Collection method: clinical testing. Allele origin: germline. Not counted in ClinVar's aggregate classification.

NM_001754.5(RUNX1):c.*3281G>T

Gene: RUNX1 (RUNX family transcription factor 1; minus strand). Cytogenetic location: 21q22.12.
Variant type: single nucleotide variant.
Coding change: c.*3281G>T on transcript NM_001754.5 (MANE Select); 3281 bases downstream of the stop codon, G replaced by T.
Molecular consequence: 3 prime UTR variant.
Genome position (GRCh38, 1-based): chr21:34,788,854, C>A on the plus strand (G>T on the coding strand, the complement: RUNX1 is on the minus strand). VCF-style: chr21-34788854-C-A. GRCh37 (hg19) VCF-style: chr21-36161151-C-A.
Other names: c.*3281G>T (NM_001001890.3).
Identifiers: ClinVar variation 898727 (VCV000898727.5), dbSNP rs2056401435, ClinGen allele CA1139666829.
Genomic context (GRCh38, chr21:34,788,854, plus strand): 5'-AAATATGTTTTGTGAGATTATTGTCAAACAAATTTTCATGTATAAAAGACCCAAACATGT[C>A]ATTCCCCCCAAAAATAAAAACCAACAAAAATAAAAATCATCAGGACGGAATGTCCCAAAG-3'